The following is an entry in ClinVar:

ClinVar aggregate classification (germline): Uncertain significance (1 of 4 stars; one submission).

Allele frequency attached by ClinVar (database versions not stated): TOPMed below 0.00001; gnomAD 0.00001.
gnomAD v4.1: 14 of 1,564,044 alleles (0.0009%); highest among the groups gnomAD compares: East Asian, 0.0023%; no homozygotes.

Submission:

Labcorp Genetics (formerly Invitae), Labcorp
Classification: Uncertain significance. Last evaluated: 2023-09-29. Review status: criteria provided, single submitter. Criteria: Invitae Variant Classification Sherloc (09022015). Collection method: clinical testing. Allele origin: germline.
Comment: An algorithm developed to predict the effect of missense changes on protein structure and function (PolyPhen-2) suggests that this variant is likely to be disruptive. This variant has not been reported in the literature in individuals affected with RIMS1-related conditions. This variant is present in population databases (no rsID available, gnomAD 0.001%). This sequence change replaces leucine, which is neutral and non-polar, with valine, which is neutral and non-polar, at codon 664 of the RIMS1 protein (p.Leu664Val). In summary, the available evidence is currently insufficient to determine the role of this variant in disease. Therefore, it has been classified as a Variant of Uncertain Significance.

NM_014989.7(RIMS1):c.1990C>G (p.Leu664Val)

Gene: RIMS1 (regulating synaptic membrane exocytosis 1; plus strand). Cytogenetic location: 6q13.
Variant type: single nucleotide variant.
Coding change: c.1990C>G on transcript NM_014989.7 (MANE Select); coding-DNA position 1990, C replaced by G.
Protein change: p.Leu664Val; replaces leucine 664 with valine.
Molecular consequence: missense variant.
Genome position (GRCh38, 1-based): chr6:72,242,346, C>G. VCF-style: chr6-72242346-C-G. GRCh37 (hg19) VCF-style: chr6-72952049-C-G.
Other names: c.343C>G, p.Leu115Val (NM_001350428.2, NM_001350430.2, NM_001350437.2 and 6 more transcripts); c.412C>G, p.Leu138Val (NM_001350429.2, NM_001350431.2, NM_001350432.2 and 37 more transcripts); c.169C>G, p.Leu57Val (NM_001350468.2, NM_001350469.2, NM_001168409.2 and 6 more transcripts); c.367C>G, p.Leu123Val (NM_001350470.2, NM_001350472.2, NM_001350473.2 and 2 more transcripts); short protein forms L115V, L123V, L138V, L57V, L664V.
Identifiers: ClinVar variation 2792612 (VCV002792612.3), dbSNP rs912704217, ClinGen allele CA140878136.